The following is an entry in ClinVar:

NM_001160148.2(DDHD1):c.807C>G (p.Thr269=)

Genes: DDHD1 (DDHD domain containing 1; minus strand), LOC130055658 (ATAC-STARR-seq lymphoblastoid active region 8401; plus strand). Cytogenetic location: 14q22.1.
Variant type: single nucleotide variant.
Coding change: c.807C>G on transcript NM_001160148.2 (MANE Select); coding-DNA position 807, C replaced by G.
Protein change: p.Thr269=; no amino-acid change (threonine 269 retained).
Molecular consequence: synonymous variant.
Genome position (GRCh38, 1-based): chr14:53,152,292, G>C on the plus strand (C>G on the coding strand, the complement: DDHD1 is on the minus strand). VCF-style: chr14-53152292-G-C. GRCh37 (hg19) VCF-style: chr14-53619010-G-C.
Other names: c.807C>G, p.Thr269= (NM_001160147.2, NM_030637.3).
Identifiers: ClinVar variation 3388418 (VCV003388418.15).

ClinVar aggregate classification (germline): Likely benign. Review status: criteria provided, multiple submitters, no conflicts (2 of 4 stars). 2 submissions from 2 submitters: Likely benign (2). Last evaluated 2025-05-01.

Conditions:
Hereditary spastic paraplegia 28. Also called: Spastic paraplegia 28, autosomal recessive. Identifiers: Orphanet 101008, MedGen C1836295, MONDO:0012256, OMIM 609340.

gnomAD v4.1: 4 of 1,612,872 alleles (0.00025%); highest among the groups gnomAD compares: Admixed American, 0.0017%; no homozygotes.

Submissions (2):

Labcorp Genetics (formerly Invitae), Labcorp
Classification: Likely benign for Hereditary spastic paraplegia 28. Last evaluated: 2025-05-01. Review status: criteria provided, single submitter. Criteria: Invitae Variant Classification Sherloc (09022015). Collection method: clinical testing. Allele origin: germline.

CeGaT Center for Human Genetics Tuebingen
Classification: Likely benign. Last evaluated: 2025-04-01. Review status: criteria provided, single submitter. Criteria: CeGaT Center For Human Genetics Tuebingen Variant Classification Criteria Version 2. Collection method: clinical testing. Allele origin: germline. Affected: yes. Observed: 2 variant alleles.
Comment: DDHD1: BP4, BP7